The following is an entry in ClinVar:

NM_014231.5(VAMP1):c.17A>C (p.Gln6Pro)

Genes: TAPBPL (TAP binding protein like; plus strand), VAMP1 (vesicle associated membrane protein 1; minus strand). Cytogenetic location: 12p13.31.
Variant type: single nucleotide variant.
Coding change: c.17A>C on transcript NM_014231.5 (MANE Select); coding-DNA position 17, A replaced by C.
Protein change: p.Gln6Pro; replaces glutamine 6 with proline.
Molecular consequence: missense variant.
Genome position (GRCh38, 1-based): chr12:6,466,337, T>G on the plus strand (A>C on the coding strand, the complement: VAMP1 is on the minus strand). VCF-style: chr12-6466337-T-G. GRCh37 (hg19) VCF-style: chr12-6575503-T-G.
Other names: c.17A>C (NM_014231.3); c.17A>C, p.Gln6Pro (NM_001297438.2, NM_016830.4, NM_199245.3); short protein forms Q6P.
Identifiers: ClinVar variation 2727042 (VCV002727042.4), dbSNP rs1950024994, ClinGen allele CA383559923.
Genomic context (GRCh38, chr12:6,466,337, plus strand): 5'-GGAGGAGGGCCAGGGGGACCCCCACCTGGGGCAGTCCCTTCTGTCCCTTCAGCAGGTGGC[T>G]GAGCTGGAGCAGACCTGTGGAAAGACATGTGCAGAGTACACAAAGTGACCAAGACAAGAA-3'
Protein context (NP_055046.1, residues 1-16): MSAPA[Gln6Pro]PPAEGTEGTA

ClinVar aggregate classification (germline): Uncertain significance. Review status: criteria provided, multiple submitters, no conflicts (2 of 4 stars). 2 submissions from 2 submitters: Uncertain significance (2). Last evaluated 2024-08-26.

Conditions:
Spastic paraplegia. Identifiers: MedGen C0037772, HP:0001258.

Submissions (2):

Athena Diagnostics
Classification: Uncertain significance. Last evaluated: 2024-08-26. Review status: criteria provided, single submitter. Criteria: Athena Diagnostics Criteria. Collection method: clinical testing. Allele origin: unknown.
Comment: Available data are insufficient to determine the clinical significance of the variant at this time. This variant has not been reported in large, multi-ethnic general populations. Polyphen and MutationTaster predict this amino acid change may be benign.

Labcorp Genetics (formerly Invitae), Labcorp
Classification: Uncertain significance for Spastic paraplegia. Last evaluated: 2023-10-17. Review status: criteria provided, single submitter. Criteria: Invitae Variant Classification Sherloc (09022015). Collection method: clinical testing. Allele origin: germline.
Comment: This sequence change replaces glutamine, which is neutral and polar, with proline, which is neutral and non-polar, at codon 6 of the VAMP1 protein (p.Gln6Pro). This variant is not present in population databases (gnomAD no frequency). This variant has not been reported in the literature in individuals affected with VAMP1-related conditions. An algorithm developed to predict the effect of missense changes on protein structure and function (PolyPhen-2) suggests that this variant is likely to be disruptive. In summary, the available evidence is currently insufficient to determine the role of this variant in disease. Therefore, it has been classified as a Variant of Uncertain Significance.